The following is an entry in ClinVar:

ClinVar aggregate classification (germline): Likely benign (1 of 4 stars; one submission).

gnomAD v4.1: 2 of 1,610,618 alleles (0.00012%); highest among the groups gnomAD compares: Admixed American, 0.0017%; no homozygotes.

Submission:

CeGaT Center for Human Genetics Tuebingen
Classification: Likely benign. Last evaluated: 2024-11-01. Review status: criteria provided, single submitter. Criteria: CeGaT Center For Human Genetics Tuebingen Variant Classification Criteria Version 2. Collection method: clinical testing. Allele origin: germline. Affected: yes. Observed: 1 variant allele.
Comment: EHMT1: BP4, BP7

NM_024757.5(EHMT1):c.3015C>G (p.Pro1005=)

Gene: EHMT1 (euchromatic histone lysine methyltransferase 1; plus strand). Cytogenetic location: 9q34.3.
Variant type: single nucleotide variant.
Coding change: c.3015C>G on transcript NM_024757.5 (MANE Select); coding-DNA position 3015, C replaced by G.
Protein change: p.Pro1005=; no amino-acid change (proline 1005 retained).
Molecular consequence: synonymous variant.
Genome position (GRCh38, 1-based): chr9:137,813,153, C>G. VCF-style: chr9-137813153-C-G. GRCh37 (hg19) VCF-style: chr9-140707605-C-G.
Other names: c.2994C>G, p.Pro998= (NM_001354263.2).
Identifiers: ClinVar variation 3389419 (VCV003389419.14).
Genomic context (GRCh38, chr9:137,813,153, plus strand): 5'-GTGGAGCGCTCTGCAGATGAGCAAGGCTCTGCAGGACTCGGCCCCCGACAGGCCCAGCCC[C>G]GTGGAGAGGATAGTGAGCAGGTGAGCCCAGCCCCAGGACGGCTTTGTGGCAAATCAGCGG-3'
Protein context (NP_079033.4, residues 995-1015): LQDSAPDRPS[Pro1005=]VERIVSRDIA